The following is an entry in ClinVar:

NM_001458.5(FLNC):c.5162G>A (p.Gly1721Glu)

Gene: FLNC (filamin C; plus strand). Cytogenetic location: 7q32.1.
Variant type: single nucleotide variant.
Coding change: c.5162G>A on transcript NM_001458.5 (MANE Select); coding-DNA position 5162, G replaced by A.
Protein change: p.Gly1721Glu; replaces glycine 1721 with glutamic acid.
Molecular consequence: missense variant.
Genome position (GRCh38, 1-based): chr7:128,849,541, G>A. VCF-style: chr7-128849541-G-A. GRCh37 (hg19) VCF-style: chr7-128489595-G-A.
Other names: c.5162G>A, p.Gly1721Glu (NM_001127487.2); short protein forms G1721E.
Identifiers: ClinVar variation 838574 (VCV000838574.13), dbSNP rs1181189567, ClinGen allele CA369204314.

ClinVar aggregate classification (germline): Uncertain significance. Review status: criteria provided, multiple submitters, no conflicts (2 of 4 stars). 2 submissions from 2 submitters: Uncertain significance (2). Last evaluated 2025-02-03.

Conditions:
Myofibrillar myopathy 5. Also called: Filaminopathy (type); FILAMINOPATHY, AUTOSOMAL DOMINANT. Identifiers: Orphanet 171445, MedGen C1836050, MONDO:0012289, OMIM 609524.
Hypertrophic cardiomyopathy 26. Also called: Cardiomyopathy, familial hypertrophic, 26. Identifiers: Orphanet 75249, MedGen C4310749, MONDO:0014883, OMIM 617047.
Distal myopathy with posterior leg and anterior hand involvement. Also called: WILLIAMS DISTAL MYOPATHY. Identifiers: Orphanet 63273, MedGen C3279722, MONDO:0013550, OMIM 614065.

Allele frequency attached by ClinVar (database versions not stated): gnomAD exomes below 0.00001.
gnomAD v4.1: 2 of 1,614,170 alleles (0.00012%); highest among the groups gnomAD compares: East Asian, 0.0045%; no homozygotes.

Submissions (2):

Labcorp Genetics (formerly Invitae), Labcorp
Classification: Uncertain significance for Distal myopathy with posterior leg and anterior hand involvement; Myofibrillar myopathy 5; Hypertrophic cardiomyopathy 26. Last evaluated: 2025-02-03. Review status: criteria provided, single submitter. Criteria: Invitae Variant Classification Sherloc (09022015). Collection method: clinical testing. Allele origin: germline.
Comment: This sequence change replaces glycine, which is neutral and non-polar, with glutamic acid, which is acidic and polar, at codon 1721 of the FLNC protein (p.Gly1721Glu). This variant is not present in population databases (gnomAD no frequency). This variant has not been reported in the literature in individuals affected with FLNC-related conditions. ClinVar contains an entry for this variant (Variation ID: 838574). Invitae Evidence Modeling of protein sequence and biophysical properties (such as structural, functional, and spatial information, amino acid conservation, physicochemical variation, residue mobility, and thermodynamic stability) has been performed for this missense variant. However, the output from this modeling did not meet the statistical confidence thresholds required to predict the impact of this variant on FLNC protein function. In summary, the available evidence is currently insufficient to determine the role of this variant in disease. Therefore, it has been classified as a Variant of Uncertain Significance.

GeneDx
Classification: Uncertain significance. Last evaluated: 2020-03-10. Review status: criteria provided, single submitter. Criteria: GeneDx Variant Classification Process June 2021. Collection method: clinical testing. Allele origin: germline. Affected: yes.
Comment: Has not been previously published as pathogenic or benign to our knowledge; Not observed in large population cohorts (Lek et al., 2016); In silico analysis supports that this missense variant has a deleterious effect on protein structure/function